The following is an entry in ClinVar:

NM_000834.5(GRIN2B):c.3361C>T (p.Arg1121Cys)

Gene: GRIN2B (glutamate ionotropic receptor NMDA type subunit 2B; minus strand). Cytogenetic location: 12p13.1.
Variant type: single nucleotide variant.
Coding change: c.3361C>T on transcript NM_000834.5 (MANE Select); coding-DNA position 3361, C replaced by T.
Protein change: p.Arg1121Cys; replaces arginine 1121 with cysteine.
Molecular consequence: missense variant.
Genome position (GRCh38, 1-based): chr12:13,563,877, G>A on the plus strand (C>T on the coding strand, the complement: GRIN2B is on the minus strand). VCF-style: chr12-13563877-G-A. GRCh37 (hg19) VCF-style: chr12-13716811-G-A.
Other names: c.3361C>T, p.Arg1121Cys (NM_001413992.1); short protein forms R1121C.
Identifiers: ClinVar variation 2931137 (VCV002931137.3), dbSNP rs1948593127, ClinGen allele CA383989808.

ClinVar aggregate classification (germline): Uncertain significance (1 of 4 stars; one submission).

Conditions:
Intellectual developmental disorder, autosomal dominant 6, with or without seizures. Also called: GRIN2B-related developmental delay, intellectual disability and autism spectrum disorder; Intellectual disability, autosomal dominant 6. Identifiers: Orphanet 589547, MedGen C3151411, MONDO:0013509, OMIM 613970.
Developmental and epileptic encephalopathy, 27 (DEE27). Also called: Epileptic encephalopathy, early infantile, 27; GRIN2B-Related Neurodevelopmental Disorder. Identifiers: Orphanet 3451, MedGen C4015316, MONDO:0014505, OMIM 616139.

Allele frequency attached by ClinVar (database versions not stated): TOPMed below 0.00001; gnomAD exomes 0.00001.
gnomAD v4.1: 21 of 1,614,096 alleles (0.0013%); highest among the groups gnomAD compares: South Asian, 0.0022%; no homozygotes.

Submission:

Labcorp Genetics (formerly Invitae), Labcorp
Classification: Uncertain significance for Developmental and epileptic encephalopathy, 27; Intellectual developmental disorder, autosomal dominant 6, with or without seizures. Last evaluated: 2022-12-15. Review status: criteria provided, single submitter. Criteria: Invitae Variant Classification Sherloc (09022015). Collection method: clinical testing. Allele origin: germline.
Comment: This sequence change replaces arginine, which is basic and polar, with cysteine, which is neutral and slightly polar, at codon 1121 of the GRIN2B protein (p.Arg1121Cys). This variant is not present in population databases (gnomAD no frequency). This variant has not been reported in the literature in individuals affected with GRIN2B-related conditions. Advanced modeling of protein sequence and biophysical properties (such as structural, functional, and spatial information, amino acid conservation, physicochemical variation, residue mobility, and thermodynamic stability) performed at Invitae indicates that this missense variant is not expected to disrupt GRIN2B protein function. In summary, the available evidence is currently insufficient to determine the role of this variant in disease. Therefore, it has been classified as a Variant of Uncertain Significance.